The following is an entry in ClinVar:

ClinVar aggregate classification (germline): Uncertain significance. Review status: criteria provided, multiple submitters, no conflicts (2 of 4 stars). 5 submissions from 5 submitters: Uncertain significance (5). Last evaluated 2025-10-28.

Conditions:
LZTR1-related schwannomatosis. Also called: Schwannomatosis 2; Schwannomatosis-2, susceptibility to. Identifiers: Orphanet 93921, MedGen C3810283, MONDO:0014299, OMIM 615670.
Cardiovascular phenotype. Identifiers: MedGen CN230736.
Hereditary cancer-predisposing syndrome. Also called: Hereditary neoplastic syndrome; Neoplastic Syndromes, Hereditary; Tumor predisposition; Hereditary Cancer Syndrome. Identifiers: Orphanet 140162, MedGen C0027672, MeSH D009386, MONDO:0015356.

Allele frequency attached by ClinVar (database versions not stated): gnomAD exomes below 0.00001; TOPMed below 0.00001; gnomAD 0.00001.
gnomAD v4.1: 3 of 1,603,160 alleles (0.00019%); highest among the groups gnomAD compares: Non-Finnish European, 0.00025%; no homozygotes.

Submissions (5):

Labcorp Genetics (formerly Invitae), Labcorp
Classification: Uncertain significance. Last evaluated: 2025-10-28. Review status: criteria provided, single submitter. Criteria: Invitae Variant Classification Sherloc (09022015). Collection method: clinical testing. Allele origin: germline.
Comment: This sequence change replaces alanine, which is neutral and non-polar, with proline, which is neutral and non-polar, at codon 516 of the LZTR1 protein (p.Ala516Pro). This variant is not present in population databases (gnomAD no frequency). This variant has not been reported in the literature in individuals affected with LZTR1-related conditions. ClinVar contains an entry for this variant (Variation ID: 561732). Invitae Evidence Modeling of protein sequence and biophysical properties (such as structural, functional, and spatial information, amino acid conservation, physicochemical variation, residue mobility, and thermodynamic stability) indicates that this missense variant is not expected to disrupt LZTR1 protein function with a negative predictive value of 80%. In summary, the available evidence is currently insufficient to determine the role of this variant in disease. Therefore, it has been classified as a Variant of Uncertain Significance.

GeneDx
Classification: Uncertain significance. Last evaluated: 2025-06-18. Review status: criteria provided, single submitter. Criteria: GeneDx Variant Classification Process June 2021. Collection method: clinical testing. Allele origin: germline. Affected: yes.
Comment: Not observed at significant frequency in large population cohorts (gnomAD); In silico analysis supports that this missense variant has a deleterious effect on protein structure/function; Has not been previously published as pathogenic or benign to our knowledge

Women's Health and Genetics/Laboratory Corporation of America, LabCorp
Classification: Uncertain significance. Last evaluated: 2025-05-30. Review status: criteria provided, single submitter. Criteria: LabCorp Variant Classification Summary - May 2015. Collection method: clinical testing. Allele origin: germline.

Ambry Genetics
Classification: Uncertain significance for Cardiovascular phenotype; Hereditary cancer-predisposing syndrome. Last evaluated: 2025-02-15. Review status: criteria provided, single submitter. Criteria: Ambry Variant Classification Scheme 2023. Collection method: clinical testing. Allele origin: germline.
Comment: The p.A516P variant (also known as c.1546G>C), located in coding exon 14 of the LZTR1 gene, results from a G to C substitution at nucleotide position 1546. The alanine at codon 516 is replaced by proline, an amino acid with highly similar properties. This amino acid position is conserved. In addition, this alteration is predicted to be deleterious by in silico analysis. Based on the available evidence, the clinical significance of this variant remains unclear.

Genomic Medicine Center of Excellence, King Faisal Specialist Hospital and Research Centre
Classification: Uncertain significance for LZTR1-related schwannomatosis. Last evaluated: 2024-04-04. Review status: criteria provided, single submitter. Criteria: ACMG Guidelines, 2015. Collection method: clinical testing. Allele origin: germline.

NM_006767.4(LZTR1):c.1546G>C (p.Ala516Pro)

Gene: LZTR1 (leucine zipper like post translational regulator 1; plus strand). Cytogenetic location: 22q11.21.
Variant type: single nucleotide variant.
Coding change: c.1546G>C on transcript NM_006767.4 (MANE Select); coding-DNA position 1546, G replaced by C.
Protein change: p.Ala516Pro; replaces alanine 516 with proline.
Molecular consequence: missense variant.
Genome position (GRCh38, 1-based): chr22:20,994,200, G>C. VCF-style: chr22-20994200-G-C. GRCh37 (hg19) VCF-style: chr22-21348489-G-C.
Other names: short protein forms A516P.
Identifiers: ClinVar variation 561732 (VCV000561732.10), dbSNP rs1288910632, ClinGen allele CA410775870.